The following is an entry in ClinVar:

NM_004357.5(CD151):c.319G>A (p.Ala107Thr)

Gene: CD151 (CD151 molecule (Raph blood group); plus strand). Cytogenetic location: 11p15.5.
Variant type: single nucleotide variant.
Coding change: c.319G>A on transcript NM_004357.5 (MANE Select); coding-DNA position 319, G replaced by A.
Protein change: p.Ala107Thr; replaces alanine 107 with threonine.
Molecular consequence: missense variant.
Genome position (GRCh38, 1-based): chr11:836,811, G>A. VCF-style: chr11-836811-G-A. GRCh37 (hg19) VCF-style: chr11-836811-G-A.
Other names: c.319G>A, p.Ala107Thr (NM_001039490.2, NM_139029.2, NM_139030.4); short protein forms A107T.
Identifiers: ClinVar variation 4750783 (VCV004750783.1).

ClinVar aggregate classification (germline): Uncertain significance (1 of 4 stars; one submission).

gnomAD v4.1: 9 of 1,612,716 alleles (0.00056%); highest among the groups gnomAD compares: East Asian, 0.0045%; no homozygotes.

Submission:

Labcorp Genetics (formerly Invitae), Labcorp
Classification: Uncertain significance. Last evaluated: 2025-06-27. Review status: criteria provided, single submitter. Criteria: Invitae Variant Classification Sherloc (09022015). Collection method: clinical testing. Allele origin: germline.
Comment: This sequence change replaces alanine, which is neutral and non-polar, with threonine, which is neutral and polar, at codon 107 of the CD151 protein (p.Ala107Thr). This variant is present in population databases (no rsID available, gnomAD 0.006%). This variant has not been reported in the literature in individuals affected with CD151-related conditions. An algorithm developed to predict the effect of missense changes on protein structure and function (PolyPhen-2) suggests that this variant is likely to be disruptive. In summary, the available evidence is currently insufficient to determine the role of this variant in disease. Therefore, it has been classified as a Variant of Uncertain Significance.